The following is an entry in ClinVar:

ClinVar aggregate classification (germline): Uncertain significance (1 of 4 stars; one submission).

Submission:

GeneDx
Classification: Uncertain significance. Last evaluated: 2023-04-25. Review status: criteria provided, single submitter. Criteria: GeneDx Variant Classification Process June 2021. Collection method: clinical testing. Allele origin: germline. Affected: yes.
Comment: Not observed at significant frequency in large population cohorts (gnomAD); In silico analysis supports that this missense variant does not alter protein structure/function; Has not been previously published as pathogenic or benign to our knowledge; Variants in candidate genes are classified as variants of uncertain significance in accordance with ACMG guidelines (Richards et al., 2015)

NM_006386.5(DDX17):c.232G>A (p.Gly78Arg)

Gene: DDX17 (DEAD-box helicase 17; minus strand). Cytogenetic location: 22q13.1.
Variant type: single nucleotide variant.
Coding change: c.232G>A on transcript NM_006386.5 (MANE Select); coding-DNA position 232, G replaced by A.
Protein change: p.Gly78Arg; replaces glycine 78 with arginine.
Molecular consequence: missense variant.
Genome position (GRCh38, 1-based): chr22:38,506,006, C>T on the plus strand (G>A on the coding strand, the complement: DDX17 is on the minus strand). VCF-style: chr22-38506006-C-T. GRCh37 (hg19) VCF-style: chr22-38902011-C-T.
Other names: c.232G>A, p.Gly78Arg (NM_001098504.2); short protein forms G78R.
Identifiers: ClinVar variation 3378070 (VCV003378070.1).